The following is an entry in ClinVar:

ClinVar aggregate classification (germline): Uncertain significance (1 of 4 stars; one submission).

Conditions:
Amyotrophic lateral sclerosis type 1 (ALS1). Also called: AMYOTROPHIC LATERAL SCLEROSIS 1, FAMILIAL. Identifiers: Orphanet 803, MedGen C1862939, MONDO:0007103, OMIM 105400.
Perry syndrome. Also called: PARKINSONISM WITH ALVEOLAR HYPOVENTILATION AND MENTAL DEPRESSION. Identifiers: Orphanet 178509, MedGen C1868594, MONDO:0008201, OMIM 168605.
Neuronopathy, distal hereditary motor, type 7B. Also called: Distal Hereditary Motor Neuronopathy Type 7B (dHMN7B); NEURONOPATHY, DISTAL HEREDITARY MOTOR, AUTOSOMAL DOMINANT 14; NEURONOPATHY, DISTAL HEREDITARY MOTOR, HARDING TYPE VIIB; NEUROPATHY, DISTAL HEREDITARY MOTOR, HARDING TYPE VIIB; NEUROPATHY, DISTAL HEREDITARY MOTOR, WITH VOCAL CORD PARALYSIS, HARDING TYPE VIIB; HMN VIIB. Identifiers: Orphanet 139589, MedGen C1843315, MONDO:0011879, OMIM 607641.

Allele frequency attached by ClinVar (database versions not stated): gnomAD exomes below 0.00001; TOPMed below 0.00001; gnomAD 0.00001.
gnomAD v4.1: 2 of 1,613,936 alleles (0.00012%); highest among the groups gnomAD compares: Non-Finnish European, 0.00017%; no homozygotes.

Submission:

Labcorp Genetics (formerly Invitae), Labcorp
Classification: Uncertain significance for Amyotrophic lateral sclerosis type 1; Neuronopathy, distal hereditary motor, type 7B; Perry syndrome. Last evaluated: 2022-08-16. Review status: criteria provided, single submitter. Criteria: Invitae Variant Classification Sherloc (09022015). Collection method: clinical testing. Allele origin: germline.
Comment: In summary, the available evidence is currently insufficient to determine the role of this variant in disease. Therefore, it has been classified as a Variant of Uncertain Significance. Algorithms developed to predict the effect of missense changes on protein structure and function (SIFT, PolyPhen-2, Align-GVGD) all suggest that this variant is likely to be disruptive. ClinVar contains an entry for this variant (Variation ID: 1381620). This variant has not been reported in the literature in individuals affected with DCTN1-related conditions. This variant is not present in population databases (gnomAD no frequency). This sequence change replaces glutamic acid, which is acidic and polar, with aspartic acid, which is acidic and polar, at codon 648 of the DCTN1 protein (p.Glu648Asp).

NM_004082.5(DCTN1):c.1944G>T (p.Glu648Asp)

Gene: DCTN1 (dynactin subunit 1; minus strand). Cytogenetic location: 2p13.1.
Variant type: single nucleotide variant.
Coding change: c.1944G>T on transcript NM_004082.5 (MANE Select); coding-DNA position 1944, G replaced by T.
Protein change: p.Glu648Asp; replaces glutamic acid 648 with aspartic acid.
Molecular consequence: missense variant. On other transcripts: non-coding transcript variant (1).
Genome position (GRCh38, 1-based): chr2:74,368,042, C>A on the plus strand (G>T on the coding strand, the complement: DCTN1 is on the minus strand). VCF-style: chr2-74368042-C-A. GRCh37 (hg19) VCF-style: chr2-74595169-C-A.
Other names: c.1884G>T, p.Glu628Asp (NM_001135040.3); c.1542G>T, p.Glu514Asp (NM_001135041.3, NM_023019.4); c.1833G>T, p.Glu611Asp (NM_001190836.2); c.1923G>T, p.Glu641Asp (NM_001190837.2); c.1893G>T, p.Glu631Asp (NM_001378991.1); c.1875G>T, p.Glu625Asp (NM_001378992.1); short protein forms E625D, E648D, E514D, E611D, E631D, E641D, E628D.
Identifiers: ClinVar variation 1381620 (VCV001381620.6), dbSNP rs1674555206, ClinGen allele CA347352207.
Genomic context (GRCh38, chr2:74,368,042, plus strand): 5'-GTGTAGCGTGGCCTGCAGCAGGCTCAGCGAGTACACCAGTCCAGCAGCAAAGCTGAGTTG[C>A]TCCCCAGCAGCTCCTCGCAGCCCAGGCCGCTCTGAACAGTTCTCACTTAGTTCAAACTTC-3'
Protein context (NP_004073.2, residues 638-658): ERPGLRGAAG[Glu648Asp]QLSFAAGLVY